The following is an entry in ClinVar:

ClinVar aggregate classification (germline): Likely pathogenic (1 of 4 stars; one submission).

Conditions:
Inborn genetic diseases. Identifiers: MedGen C0950123, MeSH D030342.

Submission:

Ambry Genetics
Classification: Likely pathogenic for Inborn genetic diseases. Last evaluated: 2024-07-09. Review status: criteria provided, single submitter. Criteria: Ambry Variant Classification Scheme 2023. Collection method: clinical testing. Allele origin: germline.
Comment: The c.736A>T (p.I246F) alteration is located in exon 9 (coding exon 7) of the CSDE1 gene. This alteration results from a A to T substitution at nucleotide position 736, causing the isoleucine (I) at amino acid position 246 to be replaced by a phenylalanine (F). This variant was not reported in population-based cohorts in the Genome Aggregation Database (gnomAD). This amino acid position is highly conserved in available vertebrate species. This alteration is predicted to be deleterious by in silico analysis. Based on the available evidence, this alteration is classified as likely pathogenic.

NM_001007553.3(CSDE1):c.598A>T (p.Ile200Phe)

Gene: CSDE1 (cold shock domain containing E1; minus strand). Cytogenetic location: 1p13.2.
Variant type: single nucleotide variant.
Coding change: c.598A>T on transcript NM_001007553.3 (MANE Select); coding-DNA position 598, A replaced by T.
Protein change: p.Ile200Phe; replaces isoleucine 200 with phenylalanine.
Molecular consequence: missense variant.
Genome position (GRCh38, 1-based): chr1:114,734,102, T>A on the plus strand (A>T on the coding strand, the complement: CSDE1 is on the minus strand). VCF-style: chr1-114734102-T-A. GRCh37 (hg19) VCF-style: chr1-115276723-T-A.
Other names: c.643A>T, p.Ile215Phe (NM_001130523.3); c.736A>T, p.Ile246Phe (NM_001242891.2); c.598A>T, p.Ile200Phe (NM_001242892.2); c.505A>T, p.Ile169Phe (NM_001242893.2, NM_007158.6); short protein forms I215F, I246F, I169F, I200F.
Identifiers: ClinVar variation 3269733 (VCV003269733.2).